The following is an entry in ClinVar:

ClinVar aggregate classification (germline): Uncertain significance (1 of 4 stars; one submission).

Conditions:
Neurodevelopmental disorder. Identifiers: MedGen C1535926, MeSH D065886, MONDO:0700092.

Submission:

Victorian Clinical Genetics Services, Murdoch Childrens Research Institute
Classification: Uncertain significance for Neurodevelopmental disorder. Last evaluated: 2024-12-20. Review status: criteria provided, single submitter. Criteria: ACMG Guidelines, 2015. Collection method: clinical testing. Allele origin: germline. Affected: yes.
Comment: This variant is classified as VUS-3B. Evidence in support of pathogenic classification: Variant is absent from gnomAD (v2, v3 and v4). Additional information: Variant is predicted to result in a missense amino acid change from histidine to tyrosine; This variant is heterozygous; This gene is associated with autosomal dominant disease; Alternative amino acid change(s) at the same position are present in gnomAD (Highest allele count: v4: 2 heterozygotes, 0 homozygotes); This variant has no previous evidence of pathogenicity; No published segregation evidence has been identified for this variant; No published functional evidence has been identified for this variant; No comparable missense variants have previous evidence for pathogenicity; Variant is not located in an established domain, motif, hotspot or informative constraint region; Missense variant with inconclusive in silico prediction and uninformative conservation; Loss of function is the likely mechanism of disease in this gene and is associated with neurodevelopmental disorder (MONDO:0700092), MYCBP2-related (PMID: 36200388); Variants in this gene are known to have variable expressivity (PMID: 36200388); Inheritance information for this variant is not currently available in this individual.

Literature cited by the submitters: PubMed 36200388.

NM_015057.5(MYCBP2):c.6898C>T (p.His2300Tyr)

Gene: MYCBP2 (MYC binding protein 2; minus strand). Cytogenetic location: 13q22.3.
Variant type: single nucleotide variant.
Coding change: c.6898C>T on transcript NM_015057.5 (MANE Select); coding-DNA position 6898, C replaced by T.
Protein change: p.His2300Tyr; replaces histidine 2300 with tyrosine.
Molecular consequence: missense variant.
Genome position (GRCh38, 1-based): chr13:77,156,075, G>A on the plus strand (C>T on the coding strand, the complement: MYCBP2 is on the minus strand). VCF-style: chr13-77156075-G-A. GRCh37 (hg19) VCF-style: chr13-77730210-G-A.
Other names: short protein forms H2300Y.
Identifiers: ClinVar variation 4531460 (VCV004531460.1).
Genomic context (GRCh38, chr13:77,156,075, plus strand): 5'-GCCAGTATATAGATGTCTGCTAATTTAATCCAGTTATAATTACCTTCATATTGGGAACAT[G>A]TACCACATCCCCATACTGGTCTTTTGTTTGAACAGTTATGGTGGTAGGCCAACCACAACG-3'
Protein context (NP_055872.4, residues 2290-2310): QTKDQYGDVV[His2300Tyr]VPNMKVEVKA